The following is an entry in ClinVar:

NM_006885.4(ZFHX3):c.1650T>C (p.Thr550=)

Gene: ZFHX3 (zinc finger homeobox 3; minus strand). Cytogenetic location: 16q22.3.
Variant type: single nucleotide variant.
Coding change: c.1650T>C on transcript NM_006885.4 (MANE Select); coding-DNA position 1650, T replaced by C.
Protein change: p.Thr550=; no amino-acid change (threonine 550 retained).
Molecular consequence: synonymous variant. On other transcripts: intron variant (1).
Genome position (GRCh38, 1-based): chr16:72,958,496, A>G on the plus strand (T>C on the coding strand, the complement: ZFHX3 is on the minus strand). VCF-style: chr16-72958496-A-G. GRCh37 (hg19) VCF-style: chr16-72992395-A-G.
Other names: c.1650T>C, p.Thr550= (NM_001386735.1); c.-23-7531T>C (NM_001164766.2).
Identifiers: ClinVar variation 3257279 (VCV003257279.17).
Genomic context (GRCh38, chr16:72,958,496, plus strand): 5'-TAAACGATTCCTCCTGTTCGCACCATCAAAGACAACAAAGGAAGAAGCAGAATTAGAACT[A>G]GTAGAAGCTGTGCCCCTCGACAGGGTCTGGAGCACGTTAGGCATTAAGGGGGAGTTAGAA-3'
Protein context (NP_008816.3, residues 540-560): LQTLSRGTAS[Thr550=]SSNSASSFVV

ClinVar aggregate classification (germline): Likely benign (1 of 4 stars; one submission).

gnomAD v4.1: 4 of 1,614,088 alleles (0.00025%); highest among the groups gnomAD compares: South Asian, 0.0011%; no homozygotes.

Submission:

CeGaT Center for Human Genetics Tuebingen
Classification: Likely benign. Last evaluated: 2024-07-01. Review status: criteria provided, single submitter. Criteria: CeGaT Center For Human Genetics Tuebingen Variant Classification Criteria Version 2. Collection method: clinical testing. Allele origin: germline. Affected: yes. Observed: 1 variant allele.
Comment: ZFHX3: BP4